The following is an entry in ClinVar:

ClinVar aggregate classification (germline): Likely benign. Review status: criteria provided, single submitter (1 of 4 stars). 2 submissions from 2 submitters: Likely benign (1). 1 of the submissions does not count toward it. Last evaluated 2016-11-18.

Conditions:
CACNA1A-related disorder. Also called: CACNA1A-related condition.

Allele frequency attached by ClinVar (database versions not stated): gnomAD below 0.00001 and 0.00001; gnomAD exomes below 0.00001 and 0.00001.

Submissions (2):

GeneDx
Classification: Likely benign. Last evaluated: 2016-11-18. Review status: criteria provided, single submitter. Criteria: GeneDx Variant Classification (06012015). Collection method: clinical testing. Allele origin: germline. Affected: yes.
Comment: This variant is considered likely benign or benign based on one or more of the following criteria: it is a conservative change, it occurs at a poorly conserved position in the protein, it is predicted to be benign by multiple in silico algorithms, and/or has population frequency not consistent with disease.

PreventionGenetics, part of Exact Sciences
Classification: Likely benign for CACNA1A-related condition. Last evaluated: 2020-05-13. Review status: no assertion criteria provided. Collection method: clinical testing. Allele origin: germline. Not counted in ClinVar's aggregate classification.
Comment: This variant is classified as likely benign based on ACMG/AMP sequence variant interpretation guidelines (Richards et al. 2015 PMID: 25741868, with internal and published modifications).

NM_001127222.2(CACNA1A):c.5205C>T (p.His1735=)

Gene: CACNA1A (calcium voltage-gated channel subunit alpha1 A; minus strand). Cytogenetic location: 19p13.13.
Variant type: single nucleotide variant.
Coding change: c.5205C>T on transcript NM_001127222.2 (MANE Select); coding-DNA position 5205, C replaced by T.
Protein change: p.His1735=; no amino-acid change (histidine 1735 retained).
Molecular consequence: synonymous variant.
Genome position (GRCh38, 1-based): chr19:13,234,965, G>A on the plus strand (C>T on the coding strand, the complement: CACNA1A is on the minus strand). VCF-style: chr19-13234965-G-A. GRCh37 (hg19) VCF-style: chr19-13345779-G-A.
Other names: c.5223C>T, p.His1741= (NM_000068.4, NM_023035.3); c.5208C>T, p.His1736= (NM_001127221.2); c.5214C>T, p.His1738= (NM_001174080.2); c.5205C>T (NM_001127222.1).
Identifiers: ClinVar variation 391061 (VCV000391061.3), dbSNP rs1057523955, ClinGen allele CA16607708.